The following is an entry in ClinVar:

NM_017780.4(CHD7):c.2951ACA[1] (p.Asn985del)

Gene: CHD7 (chromodomain helicase DNA binding protein 7; plus strand). Cytogenetic location: 8q12.2.
Variant type: Microsatellite.
Coding change: c.2951ACA[1] on transcript NM_017780.4 (MANE Select); one copy of the 3-base unit ACA starting at c.2951; the reference has two copies in a row; one copy, 3 bases deleted; also written c.2954_2956del.
Protein change: p.Asn985del; deletes asparagine 985.
Molecular consequence: inframe deletion. On other transcripts: inframe indel (2), intron variant (1).
Genome position (GRCh38, 1-based): chr8:60,822,142-60,822,144, ACA deleted; deleting any 3 consecutive bases within chr8:60,822,139-60,822,144 gives the same sequence; the position shown is the placement nearest the transcript's 3' end. VCF-style (leftmost placement, unchanged base first): chr8-60822138-TACA-T. GRCh37 (hg19) VCF-style: chr8-61734697-TACA-T.
Other names: c.2951_2953ACA[1], p.Asn985del (NM_017780.2); c.1717-40087_1717-40085del (NM_001316690.1); c.2954_2956del (NM_017780.2); short protein forms N985del.
Identifiers: ClinVar variation 3252663 (VCV003252663.1), dbSNP rs2487807866.

ClinVar aggregate classification (germline): Likely pathogenic (1 of 4 stars; one submission).

Submission:

GeneDx
Classification: Likely pathogenic. Last evaluated: 2023-07-07. Review status: criteria provided, single submitter. Criteria: GeneDx Variant Classification Process June 2021. Collection method: clinical testing. Allele origin: germline. Affected: yes.
Comment: Reported in a patient with CHARGE syndrome in published literature (Michelucci et al., 2010); In-frame deletion of one amino acid in a non-repeat region predicted to critically alter the protein; Not observed at significant frequency in large population cohorts (gnomAD); In silico analysis supports a deleterious effect on protein structure/function; This variant is associated with the following publications: (PMID: 20943277)